The following is an entry in ClinVar:

ClinVar aggregate classification (germline): Uncertain significance (1 of 4 stars; one submission).

Allele frequency attached by ClinVar (database versions not stated): TOPMed 0.00001; ExAC 0.00003.
gnomAD v4.1: 10 of 1,579,214 alleles (0.00063%); highest among the groups gnomAD compares: Non-Finnish European, 0.00068%; no homozygotes.

Submission:

Labcorp Genetics (formerly Invitae), Labcorp
Classification: Uncertain significance. Last evaluated: 2022-08-22. Review status: criteria provided, single submitter. Criteria: Invitae Variant Classification Sherloc (09022015). Collection method: clinical testing. Allele origin: germline.
Comment: This sequence change replaces glutamic acid, which is acidic and polar, with lysine, which is basic and polar, at codon 92 of the DLL3 protein (p.Glu92Lys). The frequency data for this variant in the population databases is considered unreliable, as metrics indicate poor data quality at this position in the gnomAD database. This variant has not been reported in the literature in individuals affected with DLL3-related conditions. Algorithms developed to predict the effect of missense changes on protein structure and function output the following: SIFT: "Tolerated"; PolyPhen-2: "Benign"; Align-GVGD: "Class C0". The lysine amino acid residue is found in multiple mammalian species, which suggests that this missense change does not adversely affect protein function. In summary, the available evidence is currently insufficient to determine the role of this variant in disease. Therefore, it has been classified as a Variant of Uncertain Significance.

NM_203486.3(DLL3):c.274G>A (p.Glu92Lys)

Gene: DLL3 (delta like canonical Notch ligand 3; plus strand). Cytogenetic location: 19q13.2.
Variant type: single nucleotide variant.
Coding change: c.274G>A on transcript NM_203486.3 (MANE Select); coding-DNA position 274, G replaced by A.
Protein change: p.Glu92Lys; replaces glutamic acid 92 with lysine.
Molecular consequence: missense variant.
Genome position (GRCh38, 1-based): chr19:39,499,396, G>A. VCF-style: chr19-39499396-G-A. GRCh37 (hg19) VCF-style: chr19-39990036-G-A.
Other names: c.274G>A, p.Glu92Lys (NM_016941.4); short protein forms E92K.
Identifiers: ClinVar variation 1911684 (VCV001911684.2), dbSNP rs776428281, ClinGen allele CA9432142.